The following is an entry in ClinVar:

NM_001267550.2(TTN):c.11311+5193T>A

Genes: TTN (titin; minus strand), LOC126806432 (CDK7 strongly-dependent group 2 enhancer GRCh37_chr2:179611985-179613184; plus strand). Cytogenetic location: 2q31.2.
Variant type: single nucleotide variant.
Coding change: c.11311+5193T>A on transcript NM_001267550.2 (MANE Select); 5193 bases into the intron after coding-DNA position 11311, T replaced by A.
Molecular consequence: intron variant. On other transcripts: missense variant (1).
Genome position (GRCh38, 1-based): chr2:178,747,931, A>T on the plus strand (T>A on the coding strand, the complement: TTN is on the minus strand). VCF-style: chr2-178747931-A-T. GRCh37 (hg19) VCF-style: chr2-179612658-A-T.
Other names: c.14469T>A, p.His4823Gln (NM_133379.5); c.10222+5193T>A (NM_003319.4); c.10798+5193T>A (NM_133437.4); c.10597+5193T>A (NM_133432.3); c.10360+5193T>A (NM_133378.4, NM_001256850.1); short protein forms H4823Q.
Identifiers: ClinVar variation 3895251 (VCV003895251.1), dbSNP rs193234918.
Genomic context (GRCh38, chr2:178,747,931, plus strand): 5'-TGGATTCTGTTGTTCTTCAGTCATCAAGAGTGGGAAGCACTGACTCAGGGAGAGCTGTCT[A>T]TGGAGTGTGTCAGCTTCCTGAACATCACCTCTGTGGTCTTCCAAAGTGGCATCTGTATAT-3'

ClinVar aggregate classification (germline): Likely benign (1 of 4 stars; one submission).

gnomAD v4.1: 37 of 1,613,050 alleles (0.0023%); highest among the groups gnomAD compares: African/African-American, 0.044%; no homozygotes.

Submission:

Molecular Diagnostic Laboratory for Inherited Cardiovascular Disease, Montreal Heart Institute
Classification: Likely benign. Last evaluated: 2025-04-09. Review status: criteria provided, single submitter. Criteria: ACMG Guidelines, 2015. Collection method: clinical testing. Allele origin: germline. Affected: no.
Comment: BP1